The following is an entry in ClinVar:

NM_001199138.2(NLRC4):c.610C>T (p.Arg204Cys)

Gene: NLRC4 (NLR family CARD domain containing 4; minus strand). Cytogenetic location: 2p22.3.
Variant type: single nucleotide variant.
Coding change: c.610C>T on transcript NM_001199138.2 (MANE Select); coding-DNA position 610, C replaced by T.
Protein change: p.Arg204Cys; replaces arginine 204 with cysteine.
Molecular consequence: missense variant. On other transcripts: intron variant (1).
Genome position (GRCh38, 1-based): chr2:32,251,254, G>A on the plus strand (C>T on the coding strand, the complement: NLRC4 is on the minus strand). VCF-style: chr2-32251254-G-A. GRCh37 (hg19) VCF-style: chr2-32476323-G-A.
Other names: c.610C>T, p.Arg204Cys (NM_001199139.2, NM_021209.5); c.262+1165C>T (NM_001302504.1); short protein forms R204C.
Identifiers: ClinVar variation 1412285 (VCV001412285.8), dbSNP rs573520680, ClinGen allele CA1602108.

ClinVar aggregate classification (germline): Uncertain significance (1 of 4 stars; one submission).

Conditions:
Familial cold autoinflammatory syndrome 4 (FCAS4). Identifiers: Orphanet 47045, Orphanet 576349, MedGen C4015276, MONDO:0014498, OMIM 616115.
Periodic fever-infantile enterocolitis-autoinflammatory syndrome. Also called: Autoinflammation with infantile enterocolitis. Identifiers: Orphanet 436166, MedGen C4015067, MONDO:0014472, OMIM 616050.

Allele frequency attached by ClinVar (database versions not stated): gnomAD 0.00001; gnomAD exomes below 0.00001; ExAC 0.00001; 1000 Genomes Project 0.00020; 1000 Genomes Project 30x 0.00016.

Submission:

Labcorp Genetics (formerly Invitae), Labcorp
Classification: Uncertain significance for Periodic fever-infantile enterocolitis-autoinflammatory syndrome; Familial cold autoinflammatory syndrome 4. Last evaluated: 2024-11-25. Review status: criteria provided, single submitter. Criteria: Invitae Variant Classification Sherloc (09022015). Collection method: clinical testing. Allele origin: germline.
Comment: This sequence change replaces arginine, which is basic and polar, with cysteine, which is neutral and slightly polar, at codon 204 of the NLRC4 protein (p.Arg204Cys). This variant is present in population databases (rs573520680, gnomAD 0.003%). This variant has not been reported in the literature in individuals affected with NLRC4-related conditions. ClinVar contains an entry for this variant (Variation ID: 1412285). Invitae Evidence Modeling of protein sequence and biophysical properties (such as structural, functional, and spatial information, amino acid conservation, physicochemical variation, residue mobility, and thermodynamic stability) indicates that this missense variant is not expected to disrupt NLRC4 protein function with a negative predictive value of 80%. Algorithms developed to predict the effect of sequence changes on RNA splicing suggest that this variant may create or strengthen a splice site. In summary, the available evidence is currently insufficient to determine the role of this variant in disease. Therefore, it has been classified as a Variant of Uncertain Significance.